The following is an entry in ClinVar:

NM_000140.5(FECH):c.140C>G (p.Thr47Arg)

Gene: FECH (ferrochelatase; minus strand). Cytogenetic location: 18q21.31.
Variant type: single nucleotide variant.
Coding change: c.140C>G on transcript NM_000140.5 (MANE Select); coding-DNA position 140, C replaced by G.
Protein change: p.Thr47Arg; replaces threonine 47 with arginine.
Molecular consequence: missense variant. On other transcripts: 5 prime UTR variant (1).
Genome position (GRCh38, 1-based): chr18:57,580,127, G>C on the plus strand (C>G on the coding strand, the complement: FECH is on the minus strand). VCF-style: chr18-57580127-G-C. GRCh37 (hg19) VCF-style: chr18-55247359-G-C.
Other names: c.140C>G, p.Thr47Arg (NM_001012515.4, NM_001371094.1, NM_001374778.1); c.-77C>G (NM_001371095.1); c.140C>G (NM_000140.3); short protein forms T47R.
Identifiers: ClinVar variation 2857092 (VCV002857092.5), dbSNP rs140766962, ClinGen allele CA8973306.

ClinVar aggregate classification (germline): Likely benign. Review status: criteria provided, single submitter (1 of 4 stars). 2 submissions from 2 submitters: Likely benign (1). 1 of the submissions does not count toward it. Last evaluated 2025-08-17.

Conditions:
FECH-related disorder. Also called: FECH-related condition.

Allele frequency attached by ClinVar (database versions not stated): 1000 Genomes Project 0.00120; gnomAD 0.00102; TOPMed 0.00107; ESP Exome Variant Server 0.00115; ExAC 0.00025; 1000 Genomes Project 30x 0.00109.
gnomAD v4.1: 254 of 1,614,174 alleles (0.016%); highest among the groups gnomAD compares: African/African-American, 0.31%; 1 homozygote.

Submissions (2):

Labcorp Genetics (formerly Invitae), Labcorp
Classification: Likely benign. Last evaluated: 2025-08-17. Review status: criteria provided, single submitter. Criteria: Invitae Variant Classification Sherloc (09022015). Collection method: clinical testing. Allele origin: germline.

PreventionGenetics, part of Exact Sciences
Classification: Likely benign for FECH-related condition. Last evaluated: 2022-03-28. Review status: no assertion criteria provided. Collection method: clinical testing. Allele origin: germline. Not counted in ClinVar's aggregate classification.
Comment: This variant is classified as likely benign based on ACMG/AMP sequence variant interpretation guidelines (Richards et al. 2015 PMID: 25741868, with internal and published modifications).